The following is an entry in ClinVar:

NM_172351.3(CD46):c.769G>A (p.Asp257Asn)

Gene: CD46 (CD46 molecule; plus strand). Cytogenetic location: 1q32.2.
Variant type: single nucleotide variant.
Coding change: c.769G>A on transcript NM_172351.3 (MANE Select); coding-DNA position 769, G replaced by A.
Protein change: p.Asp257Asn; replaces aspartic acid 257 with asparagine.
Molecular consequence: missense variant.
Genome position (GRCh38, 1-based): chr1:207,767,108, G>A. VCF-style: chr1-207767108-G-A. GRCh37 (hg19) VCF-style: chr1-207940453-G-A.
Other names: c.769G>A, p.Asp257Asn (NM_002389.4, NM_153826.4, NM_172350.3 and 8 more transcripts); short protein forms D257N.
Identifiers: ClinVar variation 1945177 (VCV001945177.5), dbSNP rs1216062607, ClinGen allele CA344550969.

ClinVar aggregate classification (germline): Uncertain significance (1 of 4 stars; one submission).

Allele frequency attached by ClinVar (database versions not stated): gnomAD exomes below 0.00001; TOPMed below 0.00001.

Submission:

Labcorp Genetics (formerly Invitae), Labcorp
Classification: Uncertain significance. Last evaluated: 2026-01-22. Review status: criteria provided, single submitter. Criteria: Invitae Variant Classification Sherloc (09022015). Collection method: clinical testing. Allele origin: germline.
Comment: This sequence change replaces aspartic acid, which is acidic and polar, with asparagine, which is neutral and polar, at codon 257 of the CD46 protein (p.Asp257Asn). This variant is not present in population databases (gnomAD no frequency). This variant has not been reported in the literature in individuals affected with CD46-related conditions. ClinVar contains an entry for this variant (Variation ID: 1945177). Invitae Evidence Modeling of protein sequence and biophysical properties (such as structural, functional, and spatial information, amino acid conservation, physicochemical variation, residue mobility, and thermodynamic stability) indicates that this missense variant is not expected to disrupt CD46 protein function with a negative predictive value of 80%. In summary, the available evidence is currently insufficient to determine the role of this variant in disease. Therefore, it has been classified as a Variant of Uncertain Significance.